The following is an entry in ClinVar:

ClinVar aggregate classification (germline): Likely benign (1 of 4 stars; one submission).

gnomAD v4.1: 1 of 1,613,896 alleles (0.000062%); highest among the groups gnomAD compares: Non-Finnish European, 0.000085%; no homozygotes.

Submission:

GeneDx
Classification: Likely benign. Last evaluated: 2017-07-31. Review status: criteria provided, single submitter. Criteria: GeneDx Variant Classification (06012015). Collection method: clinical testing. Allele origin: germline. Affected: yes.
Comment: This variant is considered likely benign or benign based on one or more of the following criteria: it is a conservative change, it occurs at a poorly conserved position in the protein, it is predicted to be benign by multiple in silico algorithms, and/or has population frequency not consistent with disease.

NM_001267550.2(TTN):c.104333C>A (p.Thr34778Lys)

Genes: TTN (titin; minus strand), TTN-AS1 (TTN antisense RNA 1; plus strand). Cytogenetic location: 2q31.2.
Variant type: single nucleotide variant.
Coding change: c.104333C>A on transcript NM_001267550.2 (MANE Select); coding-DNA position 104333, C replaced by A.
Protein change: p.Thr34778Lys; replaces threonine 34778 with lysine.
Molecular consequence: missense variant.
Genome position (GRCh38, 1-based): chr2:178,532,282, G>T on the plus strand (C>A on the coding strand, the complement: TTN is on the minus strand). VCF-style: chr2-178532282-G-T. GRCh37 (hg19) VCF-style: chr2-179397009-G-T.
Other names: c.99410C>A, p.Thr33137Lys (NM_001256850.1); c.77138C>A, p.Thr25713Lys (NM_003319.4); c.96629C>A, p.Thr32210Lys (NM_133378.4); c.77513C>A, p.Thr25838Lys (NM_133432.3); c.77714C>A, p.Thr25905Lys (NM_133437.4); short protein forms T33137K, T34778K, T25838K, T32210K, T25905K, T25713K.
Identifiers: ClinVar variation 511256 (VCV000511256.1), dbSNP rs762158917, ClinGen allele CA349411968.